The following is an entry in ClinVar:

ClinVar aggregate classification (germline): Benign/Likely benign. Review status: criteria provided, multiple submitters, no conflicts (2 of 4 stars). 7 submissions from 7 submitters: Benign (3); Likely benign (2). 2 of the submissions do not count toward it. Last evaluated 2026-09-01.

Conditions:
ZNF335-related disorder. Also called: ZNF335-related condition.
Microcephalic primordial dwarfism due to ZNF335 deficiency. Also called: Primary autosomal recessive microcephaly 10. Identifiers: Orphanet 329228, MedGen C3554499, MONDO:0014043, OMIM 615095.

Allele frequency attached by ClinVar (database versions not stated): 1000 Genomes Project 30x 0.00999; 1000 Genomes Project 0.01018; TOPMed 0.01368; gnomAD 0.01608 and 0.01624; ESP Exome Variant Server 0.01761.
gnomAD v4.1: 31,862 of 1,553,462 alleles (2.1%); highest among the groups gnomAD compares: Non-Finnish European, 2.3%; 385 homozygotes.

Submissions (7):

CeGaT Center for Human Genetics Tuebingen
Classification: Benign. Last evaluated: 2026-09-01. Review status: criteria provided, single submitter. Criteria: CeGaT Center For Human Genetics Tuebingen Variant Classification Criteria Version 2. Collection method: clinical testing. Allele origin: germline. Affected: yes. Observed: 41 variant alleles.
Comment: ZNF335: BS1, BS2

Labcorp Genetics (formerly Invitae), Labcorp
Classification: Benign. Last evaluated: 2026-02-02. Review status: criteria provided, single submitter. Criteria: Invitae Variant Classification Sherloc (09022015). Collection method: clinical testing. Allele origin: germline.

Genome-Nilou Lab
Classification: Benign for Microcephalic primordial dwarfism due to ZNF335 deficiency. Last evaluated: 2021-12-05. Review status: criteria provided, single submitter. Criteria: ACMG Guidelines, 2015. Collection method: clinical testing. Allele origin: germline. Affected: no.

GeneDx
Classification: Likely benign. Last evaluated: 2020-11-20. Review status: criteria provided, single submitter. Criteria: GeneDx Variant Classification Process June 2021. Collection method: clinical testing. Allele origin: germline. Affected: yes.

Breakthrough Genomics
Classification: Likely benign. Review status: criteria provided, single submitter. Criteria: ACMG Guidelines, 2015. Collection method: not provided. Allele origin: germline. Inheritance: Autosomal recessive inheritance. Affected: yes.

PreventionGenetics, part of Exact Sciences
Classification: Benign for ZNF335-related condition. Last evaluated: 2019-05-31. Review status: no assertion criteria provided. Collection method: clinical testing. Allele origin: germline. Not counted in ClinVar's aggregate classification.
Comment: This variant is classified as benign based on ACMG/AMP sequence variant interpretation guidelines (Richards et al. 2015 PMID: 25741868, with internal and published modifications).

Genetic Services Laboratory, University of Chicago
Classification: Likely benign for AllHighlyPenetrant. Review status: no assertion criteria provided. Collection method: clinical testing. Allele origin: germline. Inheritance: Autosomal recessive inheritance. Not counted in ClinVar's aggregate classification.
Comment: Likely benign based on allele frequency in 1000 Genomes Project or ESP global frequency and its presence in a patient with a rare or unrelated disease phenotype. NOT Sanger confirmed.

NM_022095.4(ZNF335):c.2167T>G (p.Phe723Val)

Gene: ZNF335 (zinc finger protein 335; minus strand). Cytogenetic location: 20q13.12.
Variant type: single nucleotide variant.
Coding change: c.2167T>G on transcript NM_022095.4 (MANE Select); coding-DNA position 2167, T replaced by G.
Protein change: p.Phe723Val; replaces phenylalanine 723 with valine.
Molecular consequence: missense variant.
Genome position (GRCh38, 1-based): chr20:45,959,287, A>C on the plus strand (T>G on the coding strand, the complement: ZNF335 is on the minus strand). VCF-style: chr20-45959287-A-C. GRCh37 (hg19) VCF-style: chr20-44587926-A-C.
Other names: short protein forms F723V.
Identifiers: ClinVar variation 130796 (VCV000130796.44), dbSNP rs41305805, ClinGen allele CA156081.